The following is an entry in ClinVar:

NM_001386298.1(CIC):c.4326C>T (p.Ser1442=)

Gene: CIC (capicua transcriptional repressor; plus strand). Cytogenetic location: 19q13.2.
Variant type: single nucleotide variant.
Coding change: c.4326C>T on transcript NM_001386298.1 (MANE Select); coding-DNA position 4326, C replaced by T.
Protein change: p.Ser1442=; no amino-acid change (serine 1442 retained).
Molecular consequence: synonymous variant.
Genome position (GRCh38, 1-based): chr19:42,290,367, C>T. VCF-style: chr19-42290367-C-T. GRCh37 (hg19) VCF-style: chr19-42794519-C-T.
Other names: c.4326C>T, p.Ser1442= (NM_001304815.2, NM_001379480.1, NM_001379482.1); c.1599C>T, p.Ser533= (NM_001379484.1, NM_001379485.1, NM_015125.5).
Identifiers: ClinVar variation 731894 (VCV000731894.28), dbSNP rs543547547, ClinGen allele CA9472053.

ClinVar aggregate classification (germline): Benign/Likely benign. Review status: criteria provided, multiple submitters, no conflicts (2 of 4 stars). 2 submissions from 2 submitters: Benign (1); Likely benign (1). Last evaluated 2026-08-01.

Allele frequency attached by ClinVar (database versions not stated): 1000 Genomes Project 30x 0.00016; gnomAD 0.00016; 1000 Genomes Project 0.00020; gnomAD exomes 0.00045 and 0.00099; TOPMed 0.00051; ExAC 0.00063.
gnomAD v4.1: 298 of 1,614,060 alleles (0.018%); highest among the groups gnomAD compares: Admixed American, 0.48%; 4 homozygotes.

Submissions (2):

CeGaT Center for Human Genetics Tuebingen
Classification: Likely benign. Last evaluated: 2026-08-01. Review status: criteria provided, single submitter. Criteria: CeGaT Center For Human Genetics Tuebingen Variant Classification Criteria Version 2. Collection method: clinical testing. Allele origin: germline. Affected: yes. Observed: 7 variant alleles.
Comment: CIC: BP4, BP7, BS1

Labcorp Genetics (formerly Invitae), Labcorp
Classification: Benign. Last evaluated: 2019-12-31. Review status: criteria provided, single submitter. Criteria: Invitae Variant Classification Sherloc (09022015). Collection method: clinical testing. Allele origin: germline.